The following is an entry in ClinVar:

NM_014000.3(VCL):c.773G>A (p.Trp258Ter)

Gene: VCL (vinculin; plus strand). Cytogenetic location: 10q22.2.
Variant type: single nucleotide variant.
Coding change: c.773G>A on transcript NM_014000.3 (MANE Select); coding-DNA position 773, G replaced by A.
Protein change: p.Trp258Ter; replaces tryptophan 258 with a stop codon.
Molecular consequence: nonsense.
Genome position (GRCh38, 1-based): chr10:74,074,893, G>A. VCF-style: chr10-74074893-G-A. GRCh37 (hg19) VCF-style: chr10-75834651-G-A.
Other names: c.773G>A, p.Trp258Ter (NM_003373.4); short protein forms W258*.
Identifiers: ClinVar variation 1760394 (VCV001760394.3), dbSNP rs2549214884, ClinGen allele CA377268627.

ClinVar aggregate classification (germline): Uncertain significance (1 of 4 stars; one submission).

Conditions:
Cardiovascular phenotype. Identifiers: MedGen CN230736.

Submission:

Ambry Genetics
Classification: Uncertain significance for Cardiovascular phenotype. Last evaluated: 2026-01-09. Review status: criteria provided, single submitter. Criteria: Ambry Variant Classification Scheme 2023. Collection method: clinical testing. Allele origin: germline.
Comment: The p.W258* variant (also known as c.773G>A), located in coding exon 6 of the VCL gene, results from a G to A substitution at nucleotide position 773. This changes the amino acid from a tryptophan to a stop codon within coding exon 6. This alteration is expected to result in protein truncation or nonsense-mediated mRNA decay. However, loss of function has not been established as a mechanism of disease. Based on the available evidence, the clinical significance of this alteration remains unclear.